The following is an entry in ClinVar:

ClinVar aggregate classification (germline): Conflicting classifications of pathogenicity. Review status: criteria provided, conflicting classifications (1 of 4 stars). 4 submissions from 4 submitters: Likely pathogenic (1); Uncertain significance (3). Last evaluated 2026-01-15.

Conditions:
Recurrent metabolic encephalomyopathic crises-rhabdomyolysis-cardiac arrhythmia-intellectual disability syndrome (MECRCN). Also called: METABOLIC CRISES, RECURRENT, WITH RHABDOMYOLYSIS, CARDIAC ARRHYTHMIAS, AND NEURODEGENERATION; TANGO2 Deficiency; Metabolic encephalomyopathic crises, recurrent, with rhabdomyolysis, cardiac arrhythmias, and neurodegeneration. Identifiers: Orphanet 480864, MedGen C5567524, MONDO:0018820, OMIM 616878.

Submissions (4):

Hereditary Research Laboratory, Bethlehem University
Classification: Likely pathogenic for Recurrent metabolic encephalomyopathic crises-rhabdomyolysis-cardiac arrhythmia-intellectual disability syndrome. Last evaluated: 2026-01-15. Review status: criteria provided, single submitter. Criteria: ACMG Guidelines, 2015. Collection method: clinical testing. Allele origin: germline. Inheritance: Autosomal recessive inheritance. Affected: yes. Observed: 16 variant alleles, 16 homozygotes. Clinical features observed: Highly elevated creatine kinase (HP:0030234), Hypoglycemia (HP:0001943), Rhabdomyolysis (HP:0003201), Global developmental delay (HP:0001263), Delayed speech and language development (HP:0000750).
Comment: This variant (NM_152906.7:c.443T>G; p.Leu148Trp) was identified in the homozygous state in 16 affected individuals from 10 consanguineous Palestinian families with TANGO2 deficiency disorder. The variant segregates with disease in all available families, with heterozygous carrier parents and affected homozygous individuals, consistent with autosomal recessive inheritance. Haplotype analysis using flanking microsatellite markers demonstrates a shared ancestral haplotype across affected individuals, supporting a founder effect. The variant is absent from population databases including gnomAD. Multiple in silico tools predict a deleterious effect. Based on ACMG/AMP criteria (PM2, PP1, PP3), this variant is classified as Likely Pathogenic.

3billion
Classification: Uncertain significance for Recurrent metabolic encephalomyopathic crises-rhabdomyolysis-cardiac arrhythmia-intellectual disability syndrome. Last evaluated: 2025-02-10. Review status: criteria provided, single submitter. Criteria: ACMG Guidelines, 2015. Collection method: clinical testing. Allele origin: germline. Affected: yes.
Comment: The variant is not observed in the gnomAD v4.1.0 dataset. Predicted Consequence/Location: Missense variant. The majority of the known disease-causing variants of this gene are variants expected to result in premature termination of the protein. The variant has been reported as of uncertain significance (ClinVar ID: VCV002436951) Therefore, this variant is classified as VUS according to the recommendation of ACMG/AMP guideline.

Genomic Medicine Center of Excellence, King Faisal Specialist Hospital and Research Centre
Classification: Uncertain significance for Recurrent metabolic encephalomyopathic crises-rhabdomyolysis-cardiac arrhythmia-intellectual disability syndrome. Last evaluated: 2024-03-17. Review status: criteria provided, single submitter. Criteria: ACMG Guidelines, 2015. Collection method: research. Allele origin: germline.

Revvity Omics, Revvity
Classification: Uncertain significance for Recurrent metabolic encephalomyopathic crises-rhabdomyolysis-cardiac arrhythmia-intellectual disability syndrome. Last evaluated: 2022-03-10. Review status: criteria provided, single submitter. Criteria: ACMG Guidelines, 2015. Collection method: clinical testing. Allele origin: germline.

NM_152906.7(TANGO2):c.443T>G (p.Leu148Trp)

Gene: TANGO2 (transport and golgi organization 2 homolog; plus strand). Cytogenetic location: 22q11.21.
Variant type: single nucleotide variant.
Coding change: c.443T>G on transcript NM_152906.7 (MANE Select); coding-DNA position 443, T replaced by G.
Protein change: p.Leu148Trp; replaces leucine 148 with tryptophan.
Molecular consequence: missense variant. On other transcripts: non-coding transcript variant (4), intron variant (11).
Genome position (GRCh38, 1-based): chr22:20,056,005, T>G. VCF-style: chr22-20056005-T-G. GRCh37 (hg19) VCF-style: chr22-20043528-T-G.
Other names: c.265+3421T>G (NM_001322163.2, NM_001283179.3, NM_001322167.2 and 4 more transcripts); c.388+3421T>G (NM_001322145.2, NM_001322147.2); c.380+2454T>G (NM_001283199.3); c.503+2454T>G (NM_001322149.2); c.443T>G, p.Leu148Trp (NM_001283106.3, NM_001283116.3, NM_001283148.3 and 2 more transcripts); c.566T>G, p.Leu189Trp (NM_001283129.3, NM_001283215.3, NM_001322141.2 and 2 more transcripts); c.149T>G, p.Leu50Trp (NM_001283235.3, NM_001322150.2, NM_001322153.2 and 6 more transcripts); c.341T>G, p.Leu114Trp (NM_001322146.2, NM_001322148.2, NM_001322160.2); short protein forms L114W, L148W, L189W, L50W.
Identifiers: ClinVar variation 2436951 (VCV002436951.7), dbSNP rs2518903115, ClinGen allele CA410697847.